The following is an entry in ClinVar:

NM_000059.4(BRCA2):c.6065C>A (p.Ser2022Ter)

Gene: BRCA2 (BRCA2 DNA repair associated; plus strand). Cytogenetic location: 13q13.1.
Variant type: single nucleotide variant.
Coding change: c.6065C>A on transcript NM_000059.4 (MANE Select); coding-DNA position 6065, C replaced by A.
Protein change: p.Ser2022Ter; replaces serine 2022 with a stop codon.
Molecular consequence: nonsense. On other transcripts: non-coding transcript variant (1), intron variant (2).
Genome position (GRCh38, 1-based): chr13:32,340,420, C>A. VCF-style: chr13-32340420-C-A. GRCh37 (hg19) VCF-style: chr13-32914557-C-A.
Other names: c.6065C>A, p.Ser2022Ter (NM_001406719.1, NM_001406720.1, NM_001432077.1); c.1910-4138C>A (NM_001406721.1); c.425-4138C>A (NM_001406722.1); short protein forms S2022*.
Identifiers: ClinVar variation 4876123 (VCV004876123.1).

ClinVar aggregate classification (germline): Pathogenic (1 of 4 stars; one submission).

Conditions:
Breast-ovarian cancer, familial, susceptibility to, 2 (BROVCA2). Also called: BRCA2 Hereditary Breast and Ovarian Cancer. Identifiers: Orphanet 145, MedGen C2675520, MONDO:0012933, OMIM 612555. Disease mechanism: loss of function.

Submission:

Myriad Genetics, Inc.
Classification: Pathogenic for Breast-ovarian cancer, familial, susceptibility to, 2. Last evaluated: 2026-06-30. Review status: criteria provided, single submitter. Criteria: Myriad Autosomal Dominant, Autosomal Recessive and X-Linked Classification Criteria (2023). Collection method: clinical testing. Allele origin: unknown.
Comment: This variant is considered pathogenic. This variant creates a termination codon and is predicted to result in premature protein truncation.